The following is an entry in ClinVar:

NM_006516.4(SLC2A1):c.275G>A (p.Arg92Gln)

Gene: SLC2A1 (solute carrier family 2 member 1; minus strand). Cytogenetic location: 1p34.2.
Variant type: single nucleotide variant.
Coding change: c.275G>A on transcript NM_006516.4 (MANE Select); coding-DNA position 275, G replaced by A.
Protein change: p.Arg92Gln; replaces arginine 92 with glutamine.
Molecular consequence: missense variant.
Genome position (GRCh38, 1-based): chr1:42,931,046, C>T on the plus strand (G>A on the coding strand, the complement: SLC2A1 is on the minus strand). VCF-style: chr1-42931046-C-T. GRCh37 (hg19) VCF-style: chr1-43396717-C-T.
Other names: short protein forms R92Q.
Identifiers: ClinVar variation 2108956 (VCV002108956.29), dbSNP rs779073410, ClinGen allele CA803588.

ClinVar aggregate classification (germline): Conflicting classifications of pathogenicity. Review status: criteria provided, conflicting classifications (1 of 4 stars). 7 submissions from 3 submitters: Likely pathogenic (1); Uncertain significance (6). Last evaluated 2025-10-01.

Conditions:
Hereditary cryohydrocytosis with reduced stomatin. Also called: GLUT1 DEFICIENCY SYNDROME WITH PSEUDOHYPERKALEMIA AND HEMOLYSIS; Stomatin-deficient cryohydrocytosis with neurologic defects. Identifiers: Orphanet 168577, MedGen C1837206, MONDO:0012143, OMIM 608885.
GLUT1 deficiency syndrome 1, autosomal recessive. Identifiers: MedGen C3149117.
Childhood onset GLUT1 deficiency syndrome 2. Also called: Paroxysmal exercise-induced dystonia; GLUT1 deficiency syndrome 2; Exertion-induced paroxysmal dyskinesia; PxMD-SLC2A1; PAROXYSMAL EXERCISE-INDUCED DYSKINESIA WITH OR WITHOUT EPILEPSY AND/OR HEMOLYTIC ANEMIA; PAROXYSMAL EXERTION-INDUCED DYSTONIA WITH OR WITHOUT EPILEPSY AND/OR HEMOLYTIC ANEMIA. Identifiers: Orphanet 98811, MedGen C1842534, MONDO:0012805, OMIM 612126.
Dystonia 9 (DYT9). Also called: CHOREOATHETOSIS, KINESIGENIC, WITH EPISODIC ATAXIA AND SPASTICITY. Identifiers: Orphanet 53583, MedGen C1832855, MONDO:0010983, OMIM 601042.
Epilepsy, idiopathic generalized, susceptibility to, 12 (EIG12). Identifiers: MedGen C3553859, MONDO:0013919, OMIM 614847.
Encephalopathy due to GLUT1 deficiency. Also called: Glucose transporter protein syndrome; GLUT1 deficiency syndrome 1, infantile onset, severe; Classic Glucose Transporter Type 1 Deficiency Syndrome; GLUCOSE TRANSPORT DEFECT, BLOOD-BRAIN BARRIER; De Vivo disease; GLUT1 deficiency syndrome 1. Identifiers: Orphanet 71277, MedGen C4551966, MONDO:0011724, OMIM 606777.

Allele frequency attached by ClinVar (database versions not stated): TOPMed below 0.00001; ExAC 0.00001; gnomAD exomes 0.00001.
gnomAD v4.1: 4 of 1,614,002 alleles (0.00025%); highest among the groups gnomAD compares: South Asian, 0.0011%; no homozygotes.

Submissions (7):

CeGaT Center for Human Genetics Tuebingen
Classification: Likely pathogenic. Last evaluated: 2025-10-01. Review status: criteria provided, single submitter. Criteria: CeGaT Center For Human Genetics Tuebingen Variant Classification Criteria Version 2. Collection method: clinical testing. Allele origin: germline. Affected: yes. Observed: 6 variant alleles.
Comment: SLC2A1: PM1, PM2, PM5

Genome-Nilou Lab
Classification: Uncertain significance for Epilepsy, idiopathic generalized, susceptibility to, 12. Last evaluated: 2023-04-11. Review status: criteria provided, single submitter. Criteria: ACMG Guidelines, 2015. Collection method: clinical testing. Allele origin: germline. Affected: no.

Genome-Nilou Lab
Classification: Uncertain significance for Dystonia 9. Last evaluated: 2023-04-11. Review status: criteria provided, single submitter. Criteria: ACMG Guidelines, 2015. Collection method: clinical testing. Allele origin: germline. Affected: no.

Genome-Nilou Lab
Classification: Uncertain significance for Encephalopathy due to GLUT1 deficiency. Last evaluated: 2023-04-11. Review status: criteria provided, single submitter. Criteria: ACMG Guidelines, 2015. Collection method: clinical testing. Allele origin: germline. Affected: no.

Genome-Nilou Lab
Classification: Uncertain significance for Childhood onset GLUT1 deficiency syndrome 2. Last evaluated: 2023-04-11. Review status: criteria provided, single submitter. Criteria: ACMG Guidelines, 2015. Collection method: clinical testing. Allele origin: germline. Affected: no.

Genome-Nilou Lab
Classification: Uncertain significance for Hereditary cryohydrocytosis with reduced stomatin. Last evaluated: 2023-04-11. Review status: criteria provided, single submitter. Criteria: ACMG Guidelines, 2015. Collection method: clinical testing. Allele origin: germline. Affected: no.

Labcorp Genetics (formerly Invitae), Labcorp
Classification: Uncertain significance for GLUT1 deficiency syndrome 1, autosomal recessive. Last evaluated: 2022-07-02. Review status: criteria provided, single submitter. Criteria: Invitae Variant Classification Sherloc (09022015). Collection method: clinical testing. Allele origin: germline.
Comment: In summary, the available evidence is currently insufficient to determine the role of this variant in disease. Therefore, it has been classified as a Variant of Uncertain Significance. This variant disrupts the p.Arg92 amino acid residue in SLC2A1. Other variant(s) that disrupt this residue have been determined to be pathogenic (PMID: 19630075, 25564316, 26598494). This suggests that this residue is clinically significant, and that variants that disrupt this residue are likely to be disease-causing. Variants that disrupt the consensus splice site are a relatively common cause of aberrant splicing (PMID: 17576681, 9536098). Algorithms developed to predict the effect of missense changes on protein structure and function are either unavailable or do not agree on the potential impact of this missense change (SIFT: "Deleterious"; PolyPhen-2: "Probably Damaging"; Align-GVGD: "Class C0"). This variant has not been reported in the literature in individuals affected with SLC2A1-related conditions. The frequency data for this variant in the population databases is considered unreliable, as metrics indicate poor data quality at this position in the gnomAD database. This sequence change replaces arginine, which is basic and polar, with glutamine, which is neutral and polar, at codon 92 of the SLC2A1 protein (p.Arg92Gln). This variant also falls at the last nucleotide of exon 3, which is part of the consensus splice site for this exon.

Literature cited by the submitters: PubMed 19630075 (cited by Labcorp Genetics (formerly Invitae), Labcorp); PubMed 25564316 (cited by Labcorp Genetics (formerly Invitae), Labcorp); PubMed 26598494 (cited by Labcorp Genetics (formerly Invitae), Labcorp); PubMed 17576681 (cited by Labcorp Genetics (formerly Invitae), Labcorp); PubMed 9536098 (cited by Labcorp Genetics (formerly Invitae), Labcorp).